The following is an entry in ClinVar:

NM_001122681.2(SH3BP2):c.*5965A>C

Gene: SH3BP2 (SH3 domain binding protein 2; plus strand). Cytogenetic location: 4p16.3.
Variant type: single nucleotide variant.
Coding change: c.*5965A>C on transcript NM_001122681.2 (MANE Select); 5965 bases downstream of the stop codon, A replaced by C.
Molecular consequence: 3 prime UTR variant.
Genome position (GRCh38, 1-based): chr4:2,839,799, A>C. VCF-style: chr4-2839799-A-C. GRCh37 (hg19) VCF-style: chr4-2841526-A-C.
Other names: c.*5965A>C (LRG_1334t1, LRG_1334t2, NM_001145855.2 and 2 more transcripts).
Identifiers: ClinVar variation 348695 (VCV000348695.5), dbSNP rs556190949, ClinGen allele CA10618687.

ClinVar aggregate classification (germline): Benign (1 of 4 stars; one submission).

Conditions:
Fibrous dysplasia of jaw (CRBM). Also called: Cherubism. Identifiers: Orphanet 184, MedGen C0008029, MONDO:0007315, OMIM 118400.

Allele frequency attached by ClinVar (database versions not stated): TOPMed 0.00066; 1000 Genomes Project 30x 0.00078; 1000 Genomes Project 0.00080; gnomAD 0.00097 and 0.00099.

Submission:

Illumina Laboratory Services, Illumina
Classification: Benign for Fibrous dysplasia of jaw. Last evaluated: 2018-01-12. Review status: criteria provided, single submitter. Criteria: ICSL Variant Classification Criteria 13 December 2019. Collection method: clinical testing. Allele origin: germline.
Comment: This variant was observed in the ICSL laboratory as part of a predisposition screen in an ostensibly healthy population. It had not been previously curated by ICSL or reported in the Human Gene Mutation Database (HGMD: prior to June 1st, 2018), and was therefore a candidate for classification through an automated scoring system. Utilizing variant allele frequency, disease prevalence and penetrance estimates, and inheritance mode, an automated score was calculated to assess if this variant is too frequent to cause the disease. Based on the score and internal cut-off values, a variant classified as benign is not then subjected to further curation. The score for this variant resulted in a classification of benign for this disease.